The following is an entry in ClinVar:

ClinVar aggregate classification (germline): Likely benign. Review status: criteria provided, multiple submitters, no conflicts (2 of 4 stars). 3 submissions from 3 submitters: Likely benign (3). Last evaluated 2025-10-13.

Conditions:
Waardenburg syndrome type 2A (WS2A). Also called: WAARDENBURG SYNDROME WITHOUT DYSTOPIA CANTHORUM. Identifiers: Orphanet 3440, MedGen C1860339, MONDO:0008671, OMIM 193510.
Melanoma, cutaneous malignant, susceptibility to, 8. Also called: MELANOMA AND RENAL CELL CARCINOMA, SUSCEPTIBILITY TO; Cutaneous malignant melanoma 8. Identifiers: Orphanet 293822, MedGen C3152204, MONDO:0013759, OMIM 614456.
Tietz syndrome (TADS). Also called: TIETZ ALBINISM-DEAFNESS SYNDROME; ALBINISM-DEAFNESS OF TIETZ; HYPOPIGMENTATION/DEAFNESS OF TIETZ. Identifiers: Orphanet 42665, MedGen C0391816, MONDO:0007077, OMIM 103500.
MITF-related disorder. Also called: MITF-related condition.
Hereditary cancer-predisposing syndrome. Also called: Tumor predisposition; Hereditary Cancer Syndrome; Neoplastic Syndromes, Hereditary; Hereditary neoplastic syndrome. Identifiers: Orphanet 140162, MedGen C0027672, MeSH D009386, MONDO:0015356.

Allele frequency attached by ClinVar (database versions not stated): ExAC 0.00001; gnomAD 0.00002.
gnomAD v4.1: 7 of 1,613,774 alleles (0.00043%); highest among the groups gnomAD compares: Admixed American, 0.0033%; no homozygotes.

Submissions (3):

Labcorp Genetics (formerly Invitae), Labcorp
Classification: Likely benign for Melanoma, cutaneous malignant, susceptibility to, 8; Waardenburg syndrome type 2A; Tietz syndrome. Last evaluated: 2025-10-13. Review status: criteria provided, single submitter. Criteria: Invitae Variant Classification Sherloc (09022015). Collection method: clinical testing. Allele origin: germline.

PreventionGenetics, part of Exact Sciences
Classification: Likely benign for MITF-related condition. Last evaluated: 2025-06-25. Review status: criteria provided, single submitter. Criteria: ACMG Guidelines, 2015. Collection method: clinical testing. Allele origin: germline.
Comment: This variant is classified as likely benign based on ACMG/AMP sequence variant interpretation guidelines (Richards et al. 2015 PMID: 25741868, with internal and published modifications).

Ambry Genetics
Classification: Likely benign for Hereditary cancer-predisposing syndrome. Last evaluated: 2025-02-14. Review status: criteria provided, single submitter. Criteria: Ambry Variant Classification Scheme 2023. Collection method: clinical testing. Allele origin: germline.

NM_001354604.2(MITF):c.1542G>A (p.Arg514=)

Gene: MITF (melanocyte inducing transcription factor; plus strand). Cytogenetic location: 3p13.
Variant type: single nucleotide variant.
Coding change: c.1542G>A on transcript NM_001354604.2 (MANE Select); coding-DNA position 1542, G replaced by A.
Protein change: p.Arg514=; no amino-acid change (arginine 514 retained).
Molecular consequence: synonymous variant.
Genome position (GRCh38, 1-based): chr3:69,965,209, G>A. VCF-style: chr3-69965209-G-A. GRCh37 (hg19) VCF-style: chr3-70014360-G-A.
Other names: c.1368G>A, p.Arg456= (NM_001184967.2, NM_001354608.2); c.1539G>A, p.Arg513= (NM_001354605.2); c.1521G>A, p.Arg507= (NM_001354606.2, NM_006722.3); c.1473G>A, p.Arg491= (NM_001354607.2); c.1203G>A, p.Arg401= (NM_198158.3); c.1524G>A, p.Arg508= (NM_198159.3); c.1476G>A, p.Arg492= (NM_198177.3); c.1035G>A, p.Arg345= (NM_198178.3); and 1 more.
Identifiers: ClinVar variation 2937576 (VCV002937576.5), dbSNP rs767456127, ClinGen allele CA2490695.